The following is an entry in ClinVar:

ClinVar aggregate classification (germline): Uncertain significance (1 of 4 stars; one submission).

Allele frequency attached by ClinVar (database versions not stated): gnomAD exomes below 0.00001.
gnomAD v4.1: 1 of 1,614,098 alleles (0.000062%); highest among the groups gnomAD compares: East Asian, 0.0022%; no homozygotes.

Submission:

Ambry Genetics
Classification: Uncertain significance. Last evaluated: 2025-10-23. Review status: criteria provided, single submitter. Criteria: Ambry Variant Classification Scheme 2023. Collection method: clinical testing. Allele origin: germline.
Comment: The p.E616G variant (also known as c.1847A>G), located in coding exon 1 of the MLH3 gene, results from an A to G substitution at nucleotide position 1847. The glutamic acid at codon 616 is replaced by glycine, an amino acid with similar properties. This amino acid position is conserved. In addition, this alteration is predicted to be tolerated by in silico analysis. Since supporting evidence is limited at this time, the clinical significance of this alteration remains unclear.

NM_001040108.2(MLH3):c.1847A>G (p.Glu616Gly)

Gene: MLH3 (mutL homolog 3; minus strand). Cytogenetic location: 14q24.3.
Variant type: single nucleotide variant.
Coding change: c.1847A>G on transcript NM_001040108.2 (MANE Select); coding-DNA position 1847, A replaced by G.
Protein change: p.Glu616Gly; replaces glutamic acid 616 with glycine.
Molecular consequence: missense variant.
Genome position (GRCh38, 1-based): chr14:75,047,809, T>C on the plus strand (A>G on the coding strand, the complement: MLH3 is on the minus strand). VCF-style: chr14-75047809-T-C. GRCh37 (hg19) VCF-style: chr14-75514512-T-C.
Other names: c.1847A>G, p.Glu616Gly (NM_014381.3); short protein forms E616G.
Identifiers: ClinVar variation 1781256 (VCV001781256.3), dbSNP rs2503285079, ClinGen allele CA390444036.